The following is an entry in ClinVar:

ClinVar aggregate classification (germline): Likely benign. Review status: criteria provided, multiple submitters, no conflicts (2 of 4 stars). 4 submissions from 4 submitters: Likely benign (3). 1 of the submissions does not count toward it. Last evaluated 2025-11-03.

Conditions:
POLR3A-related disorder. Also called: POLR3A-related condition; POLR3A-related disorders. Identifiers: MedGen CN378587, MONDO:0700276.

Allele frequency attached by ClinVar (database versions not stated): ExAC 0.00001; gnomAD exomes 0.00001; gnomAD 0.00003; TOPMed 0.00004.
gnomAD v4.1: 67 of 1,613,984 alleles (0.0042%); highest among the groups gnomAD compares: Non-Finnish European, 0.0049%; no homozygotes.

Submissions (4):

Labcorp Genetics (formerly Invitae), Labcorp
Classification: Likely benign. Last evaluated: 2025-11-03. Review status: criteria provided, single submitter. Criteria: Invitae Variant Classification Sherloc (09022015). Collection method: clinical testing. Allele origin: germline.

Blueprint Genetics
Classification: Likely benign. Last evaluated: 2024-11-12. Review status: criteria provided, single submitter. Criteria: ACMG Guidelines, 2015. Collection method: clinical testing. Allele origin: germline.

CeGaT Center for Human Genetics Tuebingen
Classification: Likely benign. Last evaluated: 2023-05-01. Review status: criteria provided, single submitter. Criteria: CeGaT Center For Human Genetics Tuebingen Variant Classification Criteria Version 2. Collection method: clinical testing. Allele origin: germline. Affected: yes. Observed: 1 variant allele.
Comment: POLR3A: BP4, BP7

PreventionGenetics, part of Exact Sciences
Classification: Likely benign for POLR3A-related condition. Last evaluated: 2019-08-13. Review status: no assertion criteria provided. Collection method: clinical testing. Allele origin: germline. Not counted in ClinVar's aggregate classification.
Comment: This variant is classified as likely benign based on ACMG/AMP sequence variant interpretation guidelines (Richards et al. 2015 PMID: 25741868, with internal and published modifications).

NM_007055.4(POLR3A):c.1110G>A (p.Ser370=)

Gene: POLR3A (RNA polymerase III subunit A; minus strand). Cytogenetic location: 10q22.3.
Variant type: single nucleotide variant.
Coding change: c.1110G>A on transcript NM_007055.4 (MANE Select); coding-DNA position 1110, G replaced by A.
Protein change: p.Ser370=; no amino-acid change (serine 370 retained).
Molecular consequence: synonymous variant.
Genome position (GRCh38, 1-based): chr10:78,021,621, C>T on the plus strand (G>A on the coding strand, the complement: POLR3A is on the minus strand). VCF-style: chr10-78021621-C-T. GRCh37 (hg19) VCF-style: chr10-79781379-C-T.
Identifiers: ClinVar variation 755017 (VCV000755017.37), dbSNP rs779006717, ClinGen allele CA5571540.